The following is an entry in ClinVar:

ClinVar aggregate classification (germline): Uncertain significance. Review status: criteria provided, multiple submitters, no conflicts (2 of 4 stars). 3 submissions from 3 submitters: Uncertain significance (3). Last evaluated 2023-08-24.

Conditions:
Peroxisome biogenesis disorder 7A (Zellweger). Also called: Peroxisome biogenesis disorder 7A. Identifiers: Orphanet 912, MedGen C3888385, MONDO:0013938, OMIM 614872.
Peroxisome biogenesis disorder 7B (PBD7B). Identifiers: Orphanet 44, MedGen C3553951, MONDO:0013939, OMIM 614873.
Inborn genetic diseases. Identifiers: MedGen C0950123, MeSH D030342.

Allele frequency attached by ClinVar (database versions not stated): gnomAD exomes 0.00001; TOPMed 0.00002; ExAC 0.00002; gnomAD 0.00001.
gnomAD v4.1: 12 of 1,613,742 alleles (0.00074%); highest among the groups gnomAD compares: Non-Finnish European, 0.001%; no homozygotes.

Submissions (3):

Labcorp Genetics (formerly Invitae), Labcorp
Classification: Uncertain significance for Peroxisome biogenesis disorder 7A (Zellweger); Peroxisome biogenesis disorder 7B. Last evaluated: 2023-08-24. Review status: criteria provided, single submitter. Criteria: Invitae Variant Classification Sherloc (09022015). Collection method: clinical testing. Allele origin: germline.
Comment: This sequence change replaces leucine, which is neutral and non-polar, with arginine, which is basic and polar, at codon 221 of the PEX26 protein (p.Leu221Arg). This variant is present in population databases (rs767345970, gnomAD 0.002%). This variant has not been reported in the literature in individuals affected with PEX26-related conditions. ClinVar contains an entry for this variant (Variation ID: 594641). Advanced modeling of protein sequence and biophysical properties (such as structural, functional, and spatial information, amino acid conservation, physicochemical variation, residue mobility, and thermodynamic stability) performed at Invitae indicates that this missense variant is not expected to disrupt PEX26 protein function. In summary, the available evidence is currently insufficient to determine the role of this variant in disease. Therefore, it has been classified as a Variant of Uncertain Significance.

Ambry Genetics
Classification: Uncertain significance for Inborn genetic diseases. Last evaluated: 2022-06-27. Review status: criteria provided, single submitter. Criteria: Ambry Variant Classification Scheme 2023. Collection method: clinical testing. Allele origin: germline.

Eurofins Ntd Llc (ga)
Classification: Uncertain significance. Last evaluated: 2017-10-19. Review status: criteria provided, single submitter. Criteria: EGL Classification Definitions 2015. Collection method: clinical testing. Allele origin: germline. Observed: 1 variant allele, 1 heterozygote.

NM_001127649.3(PEX26):c.662T>G (p.Leu221Arg)

Gene: PEX26 (peroxisomal biogenesis factor 26; plus strand). Cytogenetic location: 22q11.21.
Variant type: single nucleotide variant.
Coding change: c.662T>G on transcript NM_001127649.3 (MANE Select); coding-DNA position 662, T replaced by G.
Protein change: p.Leu221Arg; replaces leucine 221 with arginine.
Molecular consequence: missense variant.
Genome position (GRCh38, 1-based): chr22:18,083,727, T>G. VCF-style: chr22-18083727-T-G. GRCh37 (hg19) VCF-style: chr22-18566493-T-G.
Other names: c.662T>G, p.Leu221Arg (NM_001199319.2, NM_017929.6); c.662T>G (NM_017929.5); short protein forms L221R.
Identifiers: ClinVar variation 594641 (VCV000594641.11), dbSNP rs767345970, ClinGen allele CA10093371.